The following is an entry in ClinVar:

ClinVar aggregate classification (germline): Pathogenic/Likely pathogenic. Review status: criteria provided, multiple submitters, no conflicts (2 of 4 stars). 6 submissions from 6 submitters: Pathogenic (2); Likely pathogenic (4). Last evaluated 2025-11-21.

Conditions:
Hereditary cancer-predisposing syndrome. Also called: Neoplastic Syndromes, Hereditary; Tumor predisposition; Hereditary Cancer Syndrome; Hereditary neoplastic syndrome. Identifiers: Orphanet 140162, MedGen C0027672, MeSH D009386, MONDO:0015356.
Hereditary nonpolyposis colorectal neoplasms. Identifiers: MedGen C0009405, MeSH D003123.
Lynch syndrome 4 (LYNCH4). Also called: Colorectal cancer, hereditary nonpolyposis, type 4; Hereditary non-polyposis colorectal cancer, type 4. Identifiers: Orphanet 144, MedGen C1838333, MONDO:0013699, OMIM 614337. Disease mechanism: loss of function.

Submissions (6):

Ambry Genetics
Classification: Likely pathogenic for Hereditary cancer-predisposing syndrome. Last evaluated: 2025-11-21. Review status: criteria provided, single submitter. Criteria: Ambry Variant Classification Scheme 2023. Collection method: clinical testing. Allele origin: germline.
Comment: The c.705+2T>C intronic variant results from a T to C substitution two nucleotides after coding exon 6 in the PMS2 gene. Alterations that disrupt the canonical splice site are expected to result in aberrant splicing. In silico splice site analysis predicts that this alteration will weaken the native splice donor site. The resulting transcript is predicted to be in-frame and is not expected to trigger nonsense-mediated mRNA decay; however, direct evidence is unavailable. The exact functional effect of the altered amino acid sequence is unknown; however, the impacted region is critical for protein function and a significant portion of the protein is affected (Ambry internal data). RT-PCR performed using puromycin treated EBV transformed B-cells from the patient demonstrated three associated abnormal transcripts (Chmara M et al. Genes Chromosomes Cancer, 2013 Jul;52:656-64). RNA studies have demonstrated that this alteration results in abnormal splicing in the set of samples tested (Ambry internal data). This nucleotide position is highly conserved in available vertebrate species. This variant is considered to be rare based on population cohorts in the Genome Aggregation Database (gnomAD). Based on the majority of available evidence to date, this variant is likely to be pathogenic.

Labcorp Genetics (formerly Invitae), Labcorp
Classification: Pathogenic for Hereditary nonpolyposis colorectal neoplasms. Last evaluated: 2025-04-10. Review status: criteria provided, single submitter. Criteria: Invitae Variant Classification Sherloc (09022015). Collection method: clinical testing. Allele origin: germline.
Comment: This sequence change affects a donor splice site in intron 6 of the PMS2 gene. It is expected to disrupt RNA splicing. Variants that disrupt the donor or acceptor splice site typically lead to a loss of protein function (PMID: 16199547), and loss-of-function variants in PMS2 are known to be pathogenic (PMID: 21376568, 24362816). This variant is not present in population databases (gnomAD no frequency). Disruption of this splice site has been observed in individual(s) with clinical features of PMS2-related conditions (PMID: 23629955; internal data). ClinVar contains an entry for this variant (Variation ID: 920690). Studies have shown that disruption of this splice site is associated with altered splicing resulting in multiple RNA products (PMID: 23629955; internal data). For these reasons, this variant has been classified as Pathogenic.

ARUP Laboratories, Molecular Genetics and Genomics, ARUP Laboratories
Classification: Likely pathogenic. Last evaluated: 2024-03-22. Review status: criteria provided, single submitter. Criteria: ARUP Molecular Germline Variant Investigation Process 2024. Collection method: clinical testing. Allele origin: germline.
Comment: The PMS2 c.705+2T>C variant (rs1784783734; ClinVar Variation ID: 920690) is reported in the literature in an individual suspected to have constitutional mismatch repair deficiency, but a second pathogenic PMS2 variant was not identified (Chmara 2013). This variant is absent from the Genome Aggregation Database (v2.1.1), indicating it is not a common polymorphism. This variant disrupts the canonical splice donor site of intron 6, and RT-PCR analysis showed the variant causes altered splicing (Chmara 2013). Based on available information, this variant is considered to be likely pathogenic. References: Chmara M et al. Multiple pilomatricomas with somatic CTNNB1 mutations in children with constitutive mismatch repair deficiency. Genes Chromosomes Cancer. 2013 Jul;52(7):656-64. PMID: 23629955.

Myriad Genetics, Inc.
Classification: Likely pathogenic for Lynch syndrome 4. Last evaluated: 2023-09-19. Review status: criteria provided, single submitter. Criteria: Myriad Autosomal Dominant, Autosomal Recessive and X-Linked Classification Criteria (2023). Collection method: clinical testing. Allele origin: unknown.
Comment: This variant is considered likely pathogenic. This variant occurs within a consensus splice junction and is predicted to result in abnormal mRNA splicing of either an out-of-frame exon or an in-frame exon necessary for protein stability and/or normal function.

Color Diagnostics, LLC DBA Color Health
Classification: Likely pathogenic for Hereditary cancer-predisposing syndrome. Last evaluated: 2020-08-25. Review status: criteria provided, single submitter. Criteria: ACMG Guidelines, 2015. Collection method: clinical testing. Allele origin: germline.
Comment: This variant causes a T to C nucleotide substitution at the +2 position of intron 6 of the PMS2 gene. A functional RNA study has shown that this variant causes three aberrant splicing products, including the skipping of the entire exon 6 and two different partial exon 6 deletions (PMID: 23629955). All three aberrant mRNAs are predicted to result in in-frame protein deletions in the ATPase domain. The proband is suspected to have constitutive mismatch repair deficiency without an identified second PMS2 variant (PMID: 19250412, 23629955). This variant has not been identified in the general population by the Genome Aggregation Database (gnomAD). Loss of PMS2 function is a known mechanism of disease. Based on the available evidence, this variant is classified as Likely Pathogenic.

Revvity Omics, Revvity
Classification: Pathogenic. Last evaluated: 2019-05-05. Review status: criteria provided, single submitter. Criteria: ACMG Guidelines, 2015. Collection method: clinical testing. Allele origin: germline.

Literature cited by the submitters: PubMed 11574484 (cited by Ambry Genetics); PubMed 19250412 (cited by Ambry Genetics); PubMed 23629955 (cited by Ambry Genetics and Labcorp Genetics (formerly Invitae), Labcorp); PubMed 16199547 (cited by Labcorp Genetics (formerly Invitae), Labcorp); PubMed 21376568 (cited by Labcorp Genetics (formerly Invitae), Labcorp); PubMed 24362816 (cited by Labcorp Genetics (formerly Invitae), Labcorp).

NM_000535.7(PMS2):c.705+2T>C

Gene: PMS2 (PMS1 homolog 2, mismatch repair system component; minus strand). Cytogenetic location: 7p22.1.
Variant type: single nucleotide variant.
Coding change: c.705+2T>C on transcript NM_000535.7 (MANE Select); the canonical splice donor site of the intron after coding-DNA position 705, T replaced by C.
Molecular consequence: splice donor variant. On other transcripts: intron variant (9).
Genome position (GRCh38, 1-based): chr7:5,999,106, A>G on the plus strand (T>C on the coding strand, the complement: PMS2 is on the minus strand). VCF-style: chr7-5999106-A-G. GRCh37 (hg19) VCF-style: chr7-6038737-A-G.
Other names: c.387+2T>C (NM_001322008.2, NM_001406902.1, NM_001406883.1 and 4 more transcripts); c.396+2T>C (NM_001406881.1, NM_001406879.1, NM_001322015.2 and 6 more transcripts); c.300+2T>C (NM_001406895.1, NM_001322010.2, NM_001322004.2 and 19 more transcripts); c.132+3347T>C (NM_001406911.1); c.192+110T>C (NM_001406904.1, NM_001406905.1); c.133-1683T>C (NM_001322013.2, NM_001406909.1); c.-229+2T>C (NM_001322012.2, NM_001322011.2); c.369+2T>C (NM_001406885.1); and 6 more.
Identifiers: ClinVar variation 920690 (VCV000920690.20), dbSNP rs1784783734, ClinGen allele CA366743803.